The following is an entry in ClinVar:

NM_000036.3(AMPD1):c.1679+1G>T

Gene: AMPD1 (adenosine monophosphate deaminase 1; minus strand). Cytogenetic location: 1p13.2.
Variant type: single nucleotide variant.
Coding change: c.1679+1G>T on transcript NM_000036.3 (MANE Select); the canonical splice donor site of the intron after coding-DNA position 1679, G replaced by T.
Molecular consequence: splice donor variant.
Genome position (GRCh38, 1-based): chr1:114,675,529, C>A on the plus strand (G>T on the coding strand, the complement: AMPD1 is on the minus strand). VCF-style: chr1-114675529-C-A. GRCh37 (hg19) VCF-style: chr1-115218150-C-A.
Other names: c.1667+1G>T (NM_001172626.2).
Identifiers: ClinVar variation 2049165 (VCV002049165.4), dbSNP rs1311864516, ClinGen allele CA341746459.

ClinVar aggregate classification (germline): Uncertain significance (1 of 4 stars; one submission).

Conditions:
Muscle AMP deaminase deficiency (MMDD). Also called: Myoadenylate deaminase deficiency, myopathy due to; AMPD1 DEFICIENCY; ADENOSINE MONOPHOSPHATE DEAMINASE-1 DEFICIENCY, MYOPATHY DUE TO; Adenosine monophosphate deaminase 1 deficiency; AMP deaminase 1 deficiency; Adenosine Monophosphate Deaminase 1. Identifiers: Orphanet 45, MedGen C3714933, MONDO:0014220, OMIM 615511.

Submission:

Labcorp Genetics (formerly Invitae), Labcorp
Classification: Uncertain significance for Muscle AMP deaminase deficiency. Last evaluated: 2022-08-23. Review status: criteria provided, single submitter. Criteria: Invitae Variant Classification Sherloc (09022015). Collection method: clinical testing. Allele origin: germline.
Comment: This sequence change affects a donor splice site in intron 12 of the AMPD1 gene. It is expected to disrupt RNA splicing. Variants that disrupt the donor or acceptor splice site typically lead to a loss of protein function (PMID: 16199547), however the current clinical and genetic evidence is not sufficient to establish whether loss-of-function variants in AMPD1 cause disease. This variant is not present in population databases (gnomAD no frequency). This variant has not been reported in the literature in individuals affected with AMPD1-related conditions. Algorithms developed to predict the effect of sequence changes on RNA splicing suggest that this variant may disrupt the consensus splice site. In summary, the available evidence is currently insufficient to determine the role of this variant in disease. Therefore, it has been classified as a Variant of Uncertain Significance.

Literature cited by the submitters: PubMed 16199547.